The following is an entry in ClinVar:

NM_001080512.3(BICC1):c.1858+1G>T

Gene: BICC1 (BicC family RNA binding protein 1; plus strand). Cytogenetic location: 10q21.1.
Variant type: single nucleotide variant.
Coding change: c.1858+1G>T on transcript NM_001080512.3 (MANE Select); the canonical splice donor site of the intron after coding-DNA position 1858, G replaced by T.
Molecular consequence: splice donor variant.
Genome position (GRCh38, 1-based): chr10:58,800,327, G>T. VCF-style: chr10-58800327-G-T. GRCh37 (hg19) VCF-style: chr10-60560087-G-T.
Identifiers: ClinVar variation 1711182 (VCV001711182.14), dbSNP rs772727607, ClinGen allele CA5508613.

ClinVar aggregate classification (germline): Uncertain significance. Review status: criteria provided, single submitter (1 of 4 stars). 2 submissions from 2 submitters: Uncertain significance (1). 1 of the submissions does not count toward it. Last evaluated 2024-12-01.

Conditions:
Renal dysplasia, cystic, susceptibility to. Identifiers: MedGen C3275898, MONDO:0011037, OMIM 601331.

Allele frequency attached by ClinVar (database versions not stated): ExAC 0.00001.
gnomAD v4.1: 1 of 1,613,166 alleles (0.000062%); highest among the groups gnomAD compares: Non-Finnish European, 0.000085%; no homozygotes.

Submissions (2):

CeGaT Center for Human Genetics Tuebingen
Classification: Uncertain significance. Last evaluated: 2024-12-01. Review status: criteria provided, single submitter. Criteria: CeGaT Center For Human Genetics Tuebingen Variant Classification Criteria Version 2. Collection method: clinical testing. Allele origin: germline. Affected: yes. Observed: 1 variant allele.
Comment: BICC1: PM2, PP3

Prenatal Diagnosis Center, Inner Mongolia Medical University
Classification: Pathogenic for Renal dysplasia, cystic, susceptibility to. Last evaluated: 2021-01-08. Review status: no assertion criteria provided. Collection method: clinical testing. Allele origin: de novo. Affected: yes. Observed: 1 variant allele. Not counted in ClinVar's aggregate classification.